The following is an entry in ClinVar:

ClinVar aggregate classification (germline): Uncertain significance (1 of 4 stars; one submission).

Conditions:
Inborn genetic diseases. Identifiers: MedGen C0950123, MeSH D030342.

Submission:

Ambry Genetics
Classification: Uncertain significance for Inborn genetic diseases. Last evaluated: 2026-07-26. Review status: criteria provided, single submitter. Criteria: Ambry Variant Classification Scheme 2023. Collection method: clinical testing. Allele origin: germline.
Comment: The p.S1213P variant (also known as c.3637T>C), located in coding exon 17 of the MECOM gene, results from a T to C substitution at nucleotide position 3637. The serine at codon 1213 is replaced by proline, an amino acid with similar properties. This amino acid position is conserved. In addition, this alteration is predicted to be tolerated by in silico analysis. Based on the available evidence, the clinical significance of this variant remains unclear.

NM_004991.4(MECOM):c.3637T>C (p.Ser1213Pro)

Gene: MECOM (MDS1 and EVI1 complex locus; minus strand). Cytogenetic location: 3q26.2.
Variant type: single nucleotide variant.
Coding change: c.3637T>C on transcript NM_004991.4 (MANE Select); coding-DNA position 3637, T replaced by C.
Protein change: p.Ser1213Pro; replaces serine 1213 with proline.
Molecular consequence: missense variant.
Genome position (GRCh38, 1-based): chr3:169,084,992, A>G on the plus strand (T>C on the coding strand, the complement: MECOM is on the minus strand). VCF-style: chr3-169084992-A-G. GRCh37 (hg19) VCF-style: chr3-168802780-A-G.
Other names: c.3046T>C, p.Ser1016Pro (NM_001164000.2, NM_001366471.2, NM_001366472.2); c.3073T>C, p.Ser1025Pro (NM_001205194.2, NM_001366469.2, NM_005241.4 and 1 more transcripts); c.3610T>C, p.Ser1204Pro (NM_001366466.2); c.3076T>C, p.Ser1026Pro (NM_001366467.2, NM_001366468.2); c.3049T>C, p.Ser1017Pro (NM_001366470.2, NM_001163999.2); c.2638T>C, p.Ser880Pro (NM_001366473.2); c.2074T>C, p.Ser692Pro (NM_001366474.2); c.3268T>C, p.Ser1090Pro (NM_001105077.4); short protein forms S1026P, S1016P, S1204P, S1213P, S880P, S1017P, S1025P, S692P.
Identifiers: ClinVar variation 5024158 (VCV005024158.1).